The following is an entry in ClinVar:

NM_012062.5(DNM1L):c.1500C>A (p.Asp500Glu)

Gene: DNM1L (dynamin 1 like; plus strand). Cytogenetic location: 12p11.21.
Variant type: single nucleotide variant.
Coding change: c.1500C>A on transcript NM_012062.5 (MANE Select); coding-DNA position 1500, C replaced by A.
Protein change: p.Asp500Glu; replaces aspartic acid 500 with glutamic acid.
Molecular consequence: missense variant.
Genome position (GRCh38, 1-based): chr12:32,733,768, C>A. VCF-style: chr12-32733768-C-A. GRCh37 (hg19) VCF-style: chr12-32886702-C-A.
Other names: c.1500C>A, p.Asp500Glu (NM_001278463.2, NM_005690.5, NM_012063.4); c.1539C>A, p.Asp513Glu (NM_001278464.2, NM_001278465.2, NM_001330380.2); c.891C>A, p.Asp297Glu (NM_001278466.2); short protein forms D297E, D500E, D513E.
Identifiers: ClinVar variation 2762755 (VCV002762755.3), dbSNP rs2541091634, ClinGen allele CA384360220.

ClinVar aggregate classification (germline): Uncertain significance (1 of 4 stars; one submission).

Submission:

Labcorp Genetics (formerly Invitae), Labcorp
Classification: Uncertain significance. Last evaluated: 2023-09-22. Review status: criteria provided, single submitter. Criteria: Invitae Variant Classification Sherloc (09022015). Collection method: clinical testing. Allele origin: germline.
Comment: In summary, the available evidence is currently insufficient to determine the role of this variant in disease. Therefore, it has been classified as a Variant of Uncertain Significance. An algorithm developed to predict the effect of missense changes on protein structure and function (PolyPhen-2) suggests that this variant is likely to be tolerated. This variant has not been reported in the literature in individuals affected with DNM1L-related conditions. This variant is not present in population databases (gnomAD no frequency). This sequence change replaces aspartic acid, which is acidic and polar, with glutamic acid, which is acidic and polar, at codon 500 of the DNM1L protein (p.Asp500Glu).